The following is an entry in ClinVar:

ClinVar aggregate classification (germline): Uncertain significance (1 of 4 stars; one submission).

Allele frequency attached by ClinVar (database versions not stated): gnomAD 0.00003; TOPMed 0.00004; ESP Exome Variant Server 0.00008.
gnomAD v4.1: 4 of 1,613,320 alleles (0.00025%); highest among the groups gnomAD compares: African/African-American, 0.0053%; no homozygotes.

Submission:

Labcorp Genetics (formerly Invitae), Labcorp
Classification: Uncertain significance. Last evaluated: 2021-03-09. Review status: criteria provided, single submitter. Criteria: Invitae Variant Classification Sherloc (09022015). Collection method: clinical testing. Allele origin: germline.
Comment: This variant is not present in population databases (ExAC no frequency). This variant has not been reported in the literature in individuals with ANXA11-related conditions. Algorithms developed to predict the effect of missense changes on protein structure and function are either unavailable or do not agree on the potential impact of this missense change (SIFT: "Deleterious"; PolyPhen-2: "Possibly Damaging"; Align-GVGD: "Class C0"). In summary, the available evidence is currently insufficient to determine the role of this variant in disease. Therefore, it has been classified as a Variant of Uncertain Significance. This sequence change replaces aspartic acid with histidine at codon 484 of the ANXA11 protein (p.Asp484His). The aspartic acid residue is highly conserved and there is a moderate physicochemical difference between aspartic acid and histidine.

NM_145868.2(ANXA11):c.1450G>C (p.Asp484His)

Gene: ANXA11 (annexin A11; minus strand). Cytogenetic location: 10q22.3.
Variant type: single nucleotide variant.
Coding change: c.1450G>C on transcript NM_145868.2 (MANE Select); coding-DNA position 1450, G replaced by C.
Protein change: p.Asp484His; replaces aspartic acid 484 with histidine.
Molecular consequence: missense variant.
Genome position (GRCh38, 1-based): chr10:80,157,649, C>G on the plus strand (G>C on the coding strand, the complement: ANXA11 is on the minus strand). VCF-style: chr10-80157649-C-G. GRCh37 (hg19) VCF-style: chr10-81917405-C-G.
Other names: c.1450G>C, p.Asp484His (NM_001157.3, NM_001278407.2, NM_001278408.2 and 1 more transcripts); c.1351G>C, p.Asp451His (NM_001278409.2); short protein forms D484H, D451H.
Identifiers: ClinVar variation 1413347 (VCV001413347.8), dbSNP rs143921438, ClinGen allele CA210314840.